The following is an entry in ClinVar:

ClinVar aggregate classification (germline): Uncertain significance (1 of 4 stars; one submission).

Conditions:
Epilepsy, X-linked 1, with variable learning disabilities and behavior disorders. Also called: X-linked epilepsy-learning disabilities-behavior disorders syndrome. Identifiers: Orphanet 85294, MedGen C5774177, MONDO:0010339, OMIM 300491.

Allele frequency attached by ClinVar (database versions not stated): TOPMed 0.00001.

Submission:

Labcorp Genetics (formerly Invitae), Labcorp
Classification: Uncertain significance for Epilepsy, X-linked 1, with variable learning disabilities and behavior disorders. Last evaluated: 2023-06-23. Review status: criteria provided, single submitter. Criteria: Invitae Variant Classification Sherloc (09022015). Collection method: clinical testing. Allele origin: germline.
Comment: An algorithm developed to predict the effect of missense changes on protein structure and function (PolyPhen-2) suggests that this variant is likely to be disruptive. This sequence change replaces glycine, which is neutral and non-polar, with cysteine, which is neutral and slightly polar, at codon 101 of the SYN1 protein (p.Gly101Cys). This variant is not present in population databases (gnomAD no frequency). This variant has not been reported in the literature in individuals affected with SYN1-related conditions. In summary, the available evidence is currently insufficient to determine the role of this variant in disease. Therefore, it has been classified as a Variant of Uncertain Significance.

NM_006950.3(SYN1):c.301G>T (p.Gly101Cys)

Gene: SYN1 (synapsin I; minus strand). Cytogenetic location: Xp11.23.
Variant type: single nucleotide variant.
Coding change: c.301G>T on transcript NM_006950.3 (MANE Select); coding-DNA position 301, G replaced by T.
Protein change: p.Gly101Cys; replaces glycine 101 with cysteine.
Molecular consequence: missense variant.
Genome position (GRCh38, 1-based): chrX:47,619,428, C>A on the plus strand (G>T on the coding strand, the complement: SYN1 is on the minus strand). VCF-style: chrX-47619428-C-A. GRCh37 (hg19) VCF-style: chrX-47478827-C-A.
Other names: c.301G>T, p.Gly101Cys (NM_133499.2); short protein forms G101C.
Identifiers: ClinVar variation 3006327 (VCV003006327.3), dbSNP rs2057941082, ClinGen allele CA412831705.
Genomic context (GRCh38, chrX:47,619,428, plus strand): 5'-CGTCGATGACCAGCAGCACCCTGGAGGCGGCTCCCCCGCGGCCTGCGCCCCCAGAGCCGC[C>A]GCCCACCTGCTCGCTGAAGGTGGCAGCTGCCGCCGCCGTGGTCTGCTTGACCGCGTTGGA-3'
Protein context (NP_008881.2, residues 91-111): AAATFSEQVG[Gly101Cys]GSGGAGRGGA